The following is an entry in ClinVar:

NM_001042492.3(NF1):c.5443C>T (p.Gln1815Ter)

Gene: NF1 (neurofibromin 1; plus strand). Cytogenetic location: 17q11.2.
Variant type: single nucleotide variant.
Coding change: c.5443C>T on transcript NM_001042492.3 (MANE Select); coding-DNA position 5443, C replaced by T.
Protein change: p.Gln1815Ter; replaces glutamine 1815 with a stop codon.
Molecular consequence: nonsense.
Genome position (GRCh38, 1-based): chr17:31,327,673, C>T. VCF-style: chr17-31327673-C-T. GRCh37 (hg19) VCF-style: chr17-29654691-C-T.
Other names: c.5380C>T, p.Gln1794Ter (NM_000267.4); short protein forms Q1794*, Q1815*.
Identifiers: ClinVar variation 968835 (VCV000968835.7), dbSNP rs1555533587, ClinGen allele CA399009453.
Genomic context (GRCh38, chr17:31,327,673, plus strand): 5'-GATGAGAACCAGTTCACCTTAACCATTGCAAACCAGGGCACGCCGCTCACCTTCATGCAC[C>T]AGGAGTGTGAAGCCATTGTCCAGTCTATCATTCATATCCGGACCCGCTGGGAACTGTCAC-3'

ClinVar aggregate classification (germline): Pathogenic. Review status: criteria provided, multiple submitters, no conflicts (2 of 4 stars). 2 submissions from 2 submitters: Pathogenic (2). Last evaluated 2026-01-13.

Conditions:
Neurofibromatosis, type 1 (NF1). Also called: Neurofibromatosis, type I; Peripheral type neurofibromatosis; VON RECKLINGHAUSEN DISEASE; NEUROFIBROMATOSIS, TYPE I, SOMATIC. Identifiers: Orphanet 636, MedGen C0027831, MONDO:0018975, OMIM 162200. Disease mechanism: loss of function.

Submissions (2):

Labcorp Genetics (formerly Invitae), Labcorp
Classification: Pathogenic for Neurofibromatosis, type 1. Last evaluated: 2026-01-13. Review status: criteria provided, single submitter. Criteria: Invitae Variant Classification Sherloc (09022015). Collection method: clinical testing. Allele origin: germline.
Comment: This sequence change creates a premature translational stop signal (p.Gln1794*) in the NF1 gene. It is expected to result in an absent or disrupted protein product. Loss-of-function variants in NF1 are known to be pathogenic (PMID: 10712197, 23913538). This variant is not present in population databases (gnomAD no frequency). This premature translational stop signal has been observed in individual(s) with neurofibromatosis type 1 (PMID: 7655472, 27838393, 30308447). In at least one individual the variant was observed to be de novo. Invitae Evidence Modeling of clinical and family history, age, sex, and reported ancestry of multiple individuals with this NF1 variant has been performed. This variant is expected to be pathogenic with a positive predictive value of at least 99%. This is a validated machine learning model that incorporates the clinical features of 1,785,918 individuals referred to our laboratory for NF1 testing. ClinVar contains an entry for this variant (Variation ID: 968835). For these reasons, this variant has been classified as Pathogenic.

GeneDx
Classification: Pathogenic. Last evaluated: 2025-04-08. Review status: criteria provided, single submitter. Criteria: GeneDx Variant Classification Process June 2021. Collection method: clinical testing. Allele origin: germline. Affected: yes.
Comment: Nonsense variant predicted to result in protein truncation or nonsense mediated decay in a gene for which loss of function is a known mechanism of disease; Not observed at significant frequency in large population cohorts (gnomAD); Also known as c.5443C>T (p.Gln1815X); This variant is associated with the following publications: (PMID: 25525159, 30308447, 27838393, 7655472)

Literature cited by the submitters: PubMed 10712197 (cited by Labcorp Genetics (formerly Invitae), Labcorp); PubMed 23913538 (cited by Labcorp Genetics (formerly Invitae), Labcorp); PubMed 7655472 (cited by Labcorp Genetics (formerly Invitae), Labcorp); PubMed 27838393 (cited by Labcorp Genetics (formerly Invitae), Labcorp); PubMed 30308447 (cited by Labcorp Genetics (formerly Invitae), Labcorp).